The following is an entry in ClinVar:

ClinVar aggregate classification (germline): Uncertain significance (1 of 4 stars; one submission).

Submission:

GeneDx
Classification: Uncertain significance. Last evaluated: 2016-08-26. Review status: criteria provided, single submitter. Criteria: GeneDx Variant Classification (06012015). Collection method: clinical testing. Allele origin: germline. Affected: yes.
Comment: A variant of uncertain significance has been identified in the CHD2 gene. The S1728A variant has not been published as a pathogenic variant, nor has it been reported as a benign variant to our knowledge. It was not observed in approximately 6,100 individuals of European and African American ancestry in the NHLBI Exome Sequencing Project, indicating it is not a common benign variant in these populations. The S1728A variant is a non-conservative amino acid substitution, which is likely to impact secondary protein structure as these residues differ in polarity, charge, size and/or other properties. However, this substitution occurs at a position that is not conserved, and in silico analysis is inconsistent in its predictions as to whether or not the variant is damaging to the protein structure/function. Therefore, based on the currently available information, it is unclear whether this variant is a pathogenic variant or a rare benign variant.

NM_001271.4(CHD2):c.5182T>G (p.Ser1728Ala)

Gene: CHD2 (chromodomain helicase DNA binding protein 2; plus strand). Cytogenetic location: 15q26.1.
Variant type: single nucleotide variant.
Coding change: c.5182T>G on transcript NM_001271.4 (MANE Select); coding-DNA position 5182, T replaced by G.
Protein change: p.Ser1728Ala; replaces serine 1728 with alanine.
Molecular consequence: missense variant.
Genome position (GRCh38, 1-based): chr15:93,024,400, T>G. VCF-style: chr15-93024400-T-G. GRCh37 (hg19) VCF-style: chr15-93567630-T-G.
Other names: short protein forms S1728A.
Identifiers: ClinVar variation 422113 (VCV000422113.2), dbSNP rs1064795566, ClinGen allele CA16620061.